The following is an entry in ClinVar:

ClinVar aggregate classification (germline): Pathogenic. Review status: criteria provided, multiple submitters, no conflicts (2 of 4 stars). 5 submissions from 4 submitters: Pathogenic (5). Last evaluated 2024-08-05.

Conditions:
CHD7-related disorder. Also called: CHD7-related condition.
CHARGE syndrome (CHARGE). Also called: Hittner Hirsch Kreh syndrome; CHARGE ASSOCIATION--COLOBOMA, HEART ANOMALY, CHOANAL ATRESIA, RETARDATION, GENITAL AND EAR ANOMALIES; Coloboma, heart anomaly, choanal atresia, retardation, genital and ear anomalies; CHARGE association; Hall-Hittner syndrome. Identifiers: Orphanet 138, MedGen C0265354, MONDO:0008965.

Submissions (5):

Institute of Medical Genetics and Applied Genomics, University Hospital Tübingen
Classification: Pathogenic for CHD7-related CHARGE syndrome. Last evaluated: 2024-08-05. Review status: criteria provided, single submitter. Criteria: ACMG Guidelines, 2015. Collection method: clinical testing. Allele origin: de novo. Inheritance: Autosomal dominant inheritance. Affected: yes.

PreventionGenetics, part of Exact Sciences
Classification: Pathogenic for CHD7-related condition. Last evaluated: 2022-08-30. Review status: criteria provided, single submitter. Criteria: ACMG Guidelines, 2015. Collection method: clinical testing. Allele origin: germline.
Comment: The CHD7 c.3422_3423delTG variant is predicted to result in a frameshift and premature protein termination (p.Val1141Glyfs*27). This variant has been previously observed and reported as de novo in a cohort of fetuses with unexplained nonimmune hydrops fetalis (Sparks et al. 2020. PubMed ID: 33027564). This variant has not been reported in a large population database, indicating this variant is rare. Frameshift variants in CHD7 are expected to be pathogenic. This variant is interpreted as pathogenic.

Laboratory of Medical Genetics, National & Kapodistrian University of Athens
Classification: Pathogenic for CHD7-related CHARGE syndrome. Last evaluated: 2021-08-10. Review status: criteria provided, single submitter. Criteria: ACMG Guidelines, 2015. Collection method: clinical testing. Allele origin: unknown. Affected: yes.
Comment: PVS1, PM2, PP3

Genomic Medicine Lab, University of California San Francisco
Classification: Pathogenic for CHD7-related CHARGE syndrome. Last evaluated: 2020-05-14. Review status: criteria provided, single submitter. Criteria: ACMG Guidelines, 2015. Collection method: clinical testing. Allele origin: de novo. Inheritance: Autosomal dominant inheritance. Affected: yes. Study: CSER-P3EGS.

Genomic Medicine Lab, University of California San Francisco
Classification: Pathogenic for CHD7-related CHARGE syndrome. Review status: criteria provided, single submitter. Criteria: ACMG Guidelines, 2015. Collection method: clinical testing. Allele origin: de novo. Study: CSER.

NM_017780.4(CHD7):c.3422_3423del (p.Val1141fs)

Gene: CHD7 (chromodomain helicase DNA binding protein 7; plus strand). Cytogenetic location: 8q12.2.
Variant type: Microsatellite.
Coding change: c.3422_3423del on transcript NM_017780.4 (MANE Select); coding-DNA positions 3422 to 3423, 2 bases deleted (TG; older notation c.3422_3423delTG).
Protein change: p.Val1141fs; shifts the reading frame from valine 1141.
Molecular consequence: frameshift variant. On other transcripts: intron variant (1).
Genome position (GRCh38, 1-based): chr8:60,828,706-60,828,707, TG deleted; deleting any 2 consecutive bases within chr8:60,828,704-60,828,707 gives the same sequence; the c. name uses the placement nearest the transcript's 3' end. VCF-style (leftmost placement, unchanged base first): chr8-60828703-CTG-C. GRCh37 (hg19) VCF-style: chr8-61741262-CTG-C.
Other names: c.1717-33523_1717-33522del (NM_001316690.1); c.3420_3421delTG (NM_017780.4); short protein forms V1141fs.
Identifiers: ClinVar variation 1065461 (VCV001065461.5), dbSNP rs2150761158, ClinGen allele CA2580617166.